The following continues an entry in ClinVar:

NM_000256.3(MYBPC3):c.2210C>T (p.Thr737Met)

Gene: MYBPC3. ClinVar aggregate classification (germline): Conflicting classifications of pathogenicity. Uncertain significance (15); Likely benign (2).

Submissions 8 to 17 of 17:

GeneDx
Classification: Uncertain significance. Last evaluated: 2024-04-11. Review status: criteria provided, single submitter. Criteria: GeneDx Variant Classification Process June 2021. Collection method: clinical testing. Allele origin: germline. Affected: yes.
Comment: Identified in patients with cardiomyopathy in published literature (PMID: 22958901, 31983221, 27532257, 33782553, 23861362, Rippert et al., 2023, 37652022, 32841044, 33495597); In silico analysis indicates that this missense variant does not alter protein structure/function; This variant is associated with the following publications: (PMID: 22958901, 23861362, 21310275, 31983221, 32746448, 33782553, 27532257, 32841044, Rippert2023[article], 37652022, 33495597)

Color Diagnostics, LLC DBA Color Health
Classification: Uncertain significance for Cardiomyopathy. Last evaluated: 2023-11-20. Review status: criteria provided, single submitter. Criteria: ACMG Guidelines, 2015. Collection method: clinical testing. Allele origin: germline.
Comment: This missense variant replaces threonine with methionine at codon 737 of the MYBPC3 protein. Computational prediction suggests that this variant may have a neutral impact protein structure and function. To our knowledge, functional studies have not been reported for this variant. This variant has been reported in five individuals affected with hypertrophic cardiomyopathy (PMID: 27532257, 32841044, 33495597). This variant has also been reported in two individuals affected with dilated cardiomyopathy (PMID: 31983221 and 32746448). This variant has also been identified in 21/280356 chromosomes in the general population by the Genome Aggregation Database (gnomAD). The available evidence is insufficient to determine the role of this variant in disease conclusively. Therefore, this variant is classified as a Variant of Uncertain Significance.

Mayo Clinic Laboratories, Mayo Clinic
Classification: Uncertain significance. Last evaluated: 2022-02-10. Review status: criteria provided, single submitter. Criteria: ACMG Guidelines, 2015. Collection method: clinical testing. Allele origin: germline. Observed: 3 variant alleles.
Comment: BP4

CHEO Genetics Diagnostic Laboratory, Children's Hospital of Eastern Ontario
Classification: Uncertain significance for Cardiomyopathy. Last evaluated: 2021-05-31. Review status: criteria provided, single submitter. Criteria: ACMG Guidelines, 2015. Collection method: clinical testing. Allele origin: germline.

Cambridge Genomics Laboratory, East Genomic Laboratory Hub, NHS Genomic Medicine Service
Classification: Uncertain significance for Hypertrophic cardiomyopathy. Last evaluated: 2019-04-17. Review status: criteria provided, single submitter. Criteria: ACGS Best Practice Guidelines for Variant Classification in Rare Disease 2020. Collection method: clinical testing. Allele origin: germline. Affected: yes. Observed: 1 variant allele.

Illumina Laboratory Services, Illumina
Classification: Likely benign for Left ventricular noncompaction 10. Last evaluated: 2018-01-12. Review status: criteria provided, single submitter. Criteria: ICSL Variant Classification Criteria 13 December 2019. Collection method: clinical testing. Allele origin: germline.
Comment: This variant was observed in the ICSL laboratory as part of a predisposition screen in an ostensibly healthy population. It had not been previously curated by ICSL or reported in the Human Gene Mutation Database (HGMD: prior to June 1st, 2018), and was therefore a candidate for classification through an automated scoring system. Utilizing variant allele frequency, disease prevalence and penetrance estimates, and inheritance mode, an automated score was calculated to assess if this variant is too frequent to cause the disease. Based on the score and internal cut-off values, a variant classified as likely benign is not then subjected to further curation. The score for this variant resulted in a classification of likely benign for this disease.

Illumina Laboratory Services, Illumina
Classification: Uncertain significance for Hypertrophic cardiomyopathy 4. Last evaluated: 2018-01-12. Review status: criteria provided, single submitter. Criteria: ICSL Variant Classification Criteria 13 December 2019. Collection method: clinical testing. Allele origin: germline.

Stanford Center for Inherited Cardiovascular Disease, Stanford University
Classification: Uncertain significance. Last evaluated: 2014-01-31. Review status: criteria provided, single submitter. Criteria: ACMG Guidelines, 2015. Collection method: provider interpretation. Allele origin: germline.

Biesecker Lab/Clinical Genomics Section, National Institutes of Health
Classification: Uncertain significance. Last evaluated: 2013-06-24. Review status: criteria provided, single submitter. Criteria: Ng et al. (Circ Cardiovasc Genet. 2013). Collection method: research. Allele origin: unknown. Observed: 1 variant allele. Study: ClinSeq.
Comment: The study set was not selected for affection status in relation to any cancer. Pathogenicity categories were based on literature curation. See Pubmed ID:23861362 for details.

Medical sequencing

Laboratory for Molecular Medicine, Mass General Brigham Personalized Medicine
Classification: Uncertain significance. Last evaluated: 2011-07-28. Review status: criteria provided, single submitter. Criteria: LMM Criteria. Collection method: clinical testing. Allele origin: germline. Observed: 1 variant allele.
Comment: This low frequency is consistent wit h a pathogenic role. However, threonine (Thr) at position 737 is not completely conserved in evolution, suggesting that a change may be tolerated. Furthermore, this variant was predicted to be benign using a novel computational tool, which was validated by our laboratory using a set of cardiomyopathy variants with well -established clinical significance. This tool's benign interpretation is estimat ed to be correct 89% of the time, which suggests but does not prove that this va riant is benign (Jordan 2011). In summary, the clinical significance of this var iant cannot be determined without additional studies.

Literature cited by the submitters: PubMed 27532257 (cited by 4 submitters); PubMed 31983221 (cited by 4 submitters); PubMed 32746448 (cited by 3 submitters); PubMed 33782553 (cited by Labcorp Genetics (formerly Invitae), Labcorp and Mayo Clinic Laboratories, Mayo Clinic); PubMed 32841044 (cited by All of Us Research Program, National Institutes of Health and Color Diagnostics, LLC DBA Color Health); PubMed 33495597 (cited by All of Us Research Program, National Institutes of Health and Color Diagnostics, LLC DBA Color Health); PubMed 22958901 (cited by Mayo Clinic Laboratories, Mayo Clinic).